The following is an entry in ClinVar:

NM_138694.4(PKHD1):c.10156+2T>C

Gene: PKHD1 (PKHD1 ciliary IPT domain containing fibrocystin/polyductin; minus strand). Cytogenetic location: 6p12.3.
Variant type: single nucleotide variant.
Coding change: c.10156+2T>C on transcript NM_138694.4 (MANE Select); the canonical splice donor site of the intron after coding-DNA position 10156, T replaced by C.
Molecular consequence: splice donor variant.
Genome position (GRCh38, 1-based): chr6:51,744,383, A>G on the plus strand (T>C on the coding strand, the complement: PKHD1 is on the minus strand). VCF-style: chr6-51744383-A-G. GRCh37 (hg19) VCF-style: chr6-51609181-A-G.
Other names: c.10156+2T>C (NM_170724.3).
Identifiers: ClinVar variation 4816534 (VCV004816534.1).

ClinVar aggregate classification (germline): Likely pathogenic (1 of 4 stars; one submission).

Conditions:
Autosomal recessive polycystic kidney disease (ARPKD). Also called: AR polycystic kidney disease. Identifiers: Orphanet 731, Orphanet 8378, MedGen C0085548, MeSH D017044, MONDO:0009889.

Submission:

Natera, Inc.
Classification: Likely pathogenic for Autosomal recessive polycystic kidney disease. Last evaluated: 2025-04-22. Review status: criteria provided, single submitter. Criteria: Natera Variant Classification Schema (03/2026). Collection method: clinical testing. Allele origin: germline.
Comment: The c.10156+2T>C variant in PKHD1 is a canonical splice donor site variant predicted to affect pre-mRNA splicing, which may result in an abnormal transcript and altered protein product. This variant is expected to result in nonsense mediated decay, truncation, or a dysfunctional protein product. This variant is rare in the general population with a frequency below the threshold expected for the associated phenotype(s). Given the available evidence, this variant is classified as Likely Pathogenic.